The following is an entry in ClinVar:

NM_000395.3(CSF2RB):c.1723G>A (p.Ala575Thr)

Gene: CSF2RB (colony stimulating factor 2 receptor subunit beta; plus strand). Cytogenetic location: 22q12.3.
Variant type: single nucleotide variant.
Coding change: c.1723G>A on transcript NM_000395.3 (MANE Select); coding-DNA position 1723, G replaced by A.
Protein change: p.Ala575Thr; replaces alanine 575 with threonine.
Molecular consequence: missense variant.
Genome position (GRCh38, 1-based): chr22:36,937,531, G>A. VCF-style: chr22-36937531-G-A. GRCh37 (hg19) VCF-style: chr22-37333573-G-A.
Other names: short protein forms A575T.
Identifiers: ClinVar variation 1376597 (VCV001376597.8), dbSNP rs956301768, ClinGen allele CA324004418.

ClinVar aggregate classification (germline): Uncertain significance (1 of 4 stars; one submission).

Allele frequency attached by ClinVar (database versions not stated): gnomAD exomes below 0.00001.
gnomAD v4.1: 6 of 1,613,760 alleles (0.00037%); highest among the groups gnomAD compares: Non-Finnish European, 0.00051%; no homozygotes.

Submission:

Labcorp Genetics (formerly Invitae), Labcorp
Classification: Uncertain significance. Last evaluated: 2023-08-23. Review status: criteria provided, single submitter. Criteria: Invitae Variant Classification Sherloc (09022015). Collection method: clinical testing. Allele origin: germline.
Comment: In summary, the available evidence is currently insufficient to determine the role of this variant in disease. Therefore, it has been classified as a Variant of Uncertain Significance. Advanced modeling of protein sequence and biophysical properties (such as structural, functional, and spatial information, amino acid conservation, physicochemical variation, residue mobility, and thermodynamic stability) performed at Invitae indicates that this missense variant is not expected to disrupt CSF2RB protein function. ClinVar contains an entry for this variant (Variation ID: 1376597). This variant has not been reported in the literature in individuals affected with CSF2RB-related conditions. This variant is not present in population databases (gnomAD no frequency). This sequence change replaces alanine, which is neutral and non-polar, with threonine, which is neutral and polar, at codon 575 of the CSF2RB protein (p.Ala575Thr).